The following is an entry in ClinVar:

ClinVar aggregate classification (germline): Likely benign. Review status: criteria provided, multiple submitters, no conflicts (2 of 4 stars). 3 submissions from 3 submitters: Likely benign (3). Last evaluated 2025-04-01.

Conditions:
VDR-related disorder. Also called: VDR-related condition.

Allele frequency attached by ClinVar (database versions not stated): ExAC 0.00001; TOPMed 0.00002; gnomAD 0.00003; gnomAD exomes 0.00005.
gnomAD v4.1: 68 of 1,606,964 alleles (0.0042%); highest among the groups gnomAD compares: Non-Finnish European, 0.0057%; no homozygotes.

Submissions (3):

PreventionGenetics, part of Exact Sciences
Classification: Likely benign for VDR-related condition. Last evaluated: 2025-04-01. Review status: criteria provided, single submitter. Criteria: ACMG Guidelines, 2015. Collection method: clinical testing. Allele origin: germline.
Comment: This variant is classified as likely benign based on ACMG/AMP sequence variant interpretation guidelines (Richards et al. 2015 PMID: 25741868, with internal and published modifications).

Labcorp Genetics (formerly Invitae), Labcorp
Classification: Likely benign. Last evaluated: 2024-03-18. Review status: criteria provided, single submitter. Criteria: Invitae Variant Classification Sherloc (09022015). Collection method: clinical testing. Allele origin: germline.

Blueprint Genetics
Classification: Likely benign. Last evaluated: 2020-10-02. Review status: criteria provided, single submitter. Criteria: ACMG Guidelines, 2015. Collection method: clinical testing. Allele origin: germline.

NM_000376.3(VDR):c.1024+8G>A

Gene: VDR (vitamin D receptor; minus strand). Cytogenetic location: 12q13.11.
Variant type: single nucleotide variant.
Coding change: c.1024+8G>A on transcript NM_000376.3 (MANE Select); 8 bases into the intron after coding-DNA position 1024, G replaced by A.
Molecular consequence: intron variant.
Genome position (GRCh38, 1-based): chr12:47,846,327, C>T on the plus strand (G>A on the coding strand, the complement: VDR is on the minus strand). VCF-style: chr12-47846327-C-T. GRCh37 (hg19) VCF-style: chr12-48240110-C-T.
Other names: c.1024+8G>A (NM_001374662.1, NM_001364085.2, NM_001017535.2 and 2 more transcripts); c.1174+8G>A (NM_001017536.2).
Identifiers: ClinVar variation 2975019 (VCV002975019.5), dbSNP rs765258486, ClinGen allele CA6533799.